The following is an entry in ClinVar:

NM_000444.6(PHEX):c.230G>A (p.Cys77Tyr)

Gene: PHEX (phosphate regulating endopeptidase X-linked; plus strand). Cytogenetic location: Xp22.11.
Variant type: single nucleotide variant.
Coding change: c.230G>A on transcript NM_000444.6 (MANE Select); coding-DNA position 230, G replaced by A.
Protein change: p.Cys77Tyr; replaces cysteine 77 with tyrosine.
Molecular consequence: missense variant.
Genome position (GRCh38, 1-based): chrX:22,047,092, G>A. VCF-style: chrX-22047092-G-A. GRCh37 (hg19) VCF-style: chrX-22065210-G-A.
Other names: c.230G>A, p.Cys77Tyr (NM_001282754.2); short protein forms C77Y.
Identifiers: ClinVar variation 950415 (VCV000950415.7), dbSNP rs1556014263, ClinGen allele CA412567577.

ClinVar aggregate classification (germline): Pathogenic (1 of 4 stars; one submission).

Submission:

Labcorp Genetics (formerly Invitae), Labcorp
Classification: Pathogenic. Last evaluated: 2025-09-10. Review status: criteria provided, single submitter. Criteria: Invitae Variant Classification Sherloc (09022015). Collection method: clinical testing. Allele origin: germline.
Comment: This sequence change replaces cysteine, which is neutral and slightly polar, with tyrosine, which is neutral and polar, at codon 77 of the PHEX protein (p.Cys77Tyr). This variant is not present in population databases (gnomAD no frequency). This missense change has been observed in individual(s) with clinical features of X-linked hypophosphatemia (internal data). ClinVar contains an entry for this variant (Variation ID: 950415). Invitae Evidence Modeling of protein sequence and biophysical properties (such as structural, functional, and spatial information, amino acid conservation, physicochemical variation, residue mobility, and thermodynamic stability) indicates that this missense variant is expected to disrupt PHEX protein function with a positive predictive value of 95%. This variant disrupts the p.Cys77 amino acid residue in PHEX. Other variant(s) that disrupt this residue have been determined to be pathogenic (PMID: 9097956, 26051471, 27840894). This suggests that this residue is clinically significant, and that variants that disrupt this residue are likely to be disease-causing. For these reasons, this variant has been classified as Pathogenic.

Literature cited by the submitters: PubMed 9097956; PubMed 26051471; PubMed 27840894.